The following is an entry in ClinVar:

ClinVar aggregate classification (germline): Conflicting classifications of pathogenicity. Review status: criteria provided, conflicting classifications (1 of 4 stars). 3 submissions from 3 submitters: Uncertain significance (2); Likely benign (1). Last evaluated 2025-11-09.

Conditions:
Long QT syndrome (LQTS). Identifiers: MedGen C0023976, MeSH D008133, MONDO:0002442. Disease mechanism: loss of function. Inheritance: Various modes of inheritance.
Cardiovascular phenotype. Identifiers: MedGen CN230736.

Allele frequency attached by ClinVar (database versions not stated): ExAC 0.00002; gnomAD exomes 0.00004 and 0.00005; TOPMed 0.00004; gnomAD 0.00008 and 0.00009; ESP Exome Variant Server 0.00015.
gnomAD v4.1: 73 of 1,613,990 alleles (0.0045%); highest among the groups gnomAD compares: Non-Finnish European, 0.0054%; no homozygotes.

Submissions (3):

Labcorp Genetics (formerly Invitae), Labcorp
Classification: Uncertain significance for Long QT syndrome. Last evaluated: 2025-11-09. Review status: criteria provided, single submitter. Criteria: Invitae Variant Classification Sherloc (09022015). Collection method: clinical testing. Allele origin: germline.
Comment: This sequence change replaces lysine, which is basic and polar, with glutamine, which is neutral and polar, at codon 2390 of the ANK2 protein (p.Lys2390Gln). This variant is present in population databases (rs151218210, gnomAD 0.01%). This missense change has been observed in individual(s) with long QT syndrome (PMID: 30847666). ClinVar contains an entry for this variant (Variation ID: 519391). An algorithm developed to predict the effect of missense changes on protein structure and function (PolyPhen-2) suggests that this variant is likely to be tolerated. In summary, the available evidence is currently insufficient to determine the role of this variant in disease. Therefore, it has been classified as a Variant of Uncertain Significance.

GeneDx
Classification: Uncertain significance. Last evaluated: 2021-06-07. Review status: criteria provided, single submitter. Criteria: GeneDx Variant Classification Process June 2021. Collection method: clinical testing. Allele origin: germline. Affected: yes.
Comment: Identified in association with arrhythmia (van Lint et al., 2019); however, clinical information was not provided; Reported in ClinVar (ClinVar Variant ID# 519391; Landrum et al., 2016); In silico analysis supports that this missense variant does not alter protein structure/function; Located in exon 38, which is reported as being expressed in a brain-specific transcript (Otto et al, 1991; Cunha et al, 2008; Wu et al, 2015); This variant is associated with the following publications: (PMID: 27535533, 1830053, 18790697, 26109584, 26582918, 30847666)

Ambry Genetics
Classification: Likely benign for Cardiovascular phenotype. Last evaluated: 2018-11-06. Review status: criteria provided, single submitter. Criteria: Ambry Variant Classification Scheme 2023. Collection method: clinical testing. Allele origin: germline.

Literature cited by the submitters: PubMed 30847666 (cited by Labcorp Genetics (formerly Invitae), Labcorp).

NM_001148.6(ANK2):c.7168A>C (p.Lys2390Gln)

Genes: ANK2 (ankyrin 2; plus strand), LOC126807137 (CDK7 strongly-dependent group 2 enhancer GRCh37_chr4:114276560-114277759; plus strand). Cytogenetic location: 4q26.
Variant type: single nucleotide variant.
Coding change: c.7168A>C on transcript NM_001148.6 (MANE Select); coding-DNA position 7168, A replaced by C.
Protein change: p.Lys2390Gln; replaces lysine 2390 with glutamine.
Molecular consequence: missense variant. On other transcripts: intron variant (68).
Genome position (GRCh38, 1-based): chr4:113,355,786, A>C. VCF-style: chr4-113355786-A-C. GRCh37 (hg19) VCF-style: chr4-114276942-A-C.
Other names: c.6934A>C, p.Lys2312Gln (NM_001386142.1); c.3568A>C, p.Lys1190Gln (NM_001386166.1); c.7309A>C, p.Lys2437Gln (NM_001386174.1); c.7285A>C, p.Lys2429Gln (NM_001386175.1); c.4412-5037A>C (NM_001386186.2, NM_001386148.2); c.4214-5037A>C (NM_001354269.3); c.4292-5037A>C (NM_001386187.2); c.4253-5037A>C (NM_001386147.1); and 35 more; short protein forms K2390Q, K1190Q, K2312Q, K2429Q, K2437Q.
Identifiers: ClinVar variation 519391 (VCV000519391.13), dbSNP rs151218210, ClinGen allele CA3051548.